The following is an entry in ClinVar:

NM_025074.7(FRAS1):c.*33T>A

Gene: FRAS1 (Fraser extracellular matrix complex subunit 1; plus strand). Cytogenetic location: 4q21.21.
Variant type: single nucleotide variant.
Coding change: c.*33T>A on transcript NM_025074.7 (MANE Select); 33 bases downstream of the stop codon, T replaced by A.
Molecular consequence: 3 prime UTR variant.
Genome position (GRCh38, 1-based): chr4:78,541,157, T>A. VCF-style: chr4-78541157-T-A. GRCh37 (hg19) VCF-style: chr4-79462311-T-A.
Identifiers: ClinVar variation 349824 (VCV000349824.6), dbSNP rs72659058, ClinGen allele CA2979360.
Genomic context (GRCh38, chr4:78,541,157, plus strand): 5'-CAATTTACAAGATGGAACAGAAGTTTAATGGAGGAGACCTATGTGTATTTTTTTCTAAAA[T>A]CATTTTTATAAAATGGGGGGAAATACTGGTATTTTTATAATCTCGCAGATAAAAAAGGGA-3'

ClinVar aggregate classification (germline): Benign. Review status: criteria provided, multiple submitters, no conflicts (2 of 4 stars). 2 submissions from 2 submitters: Benign (2). Last evaluated 2018-01-13.

Conditions:
Fraser syndrome 1 (FRASRS1). Also called: CRYPTOPHTHALMOS WITH OTHER MALFORMATIONS. Identifiers: Orphanet 2052, MedGen C4551480, MONDO:0054737, OMIM 219000.

Allele frequency attached by ClinVar (database versions not stated): 1000 Genomes Project 0.10563; 1000 Genomes Project 30x 0.10681; TOPMed 0.17418; gnomAD 0.18078 and 0.18560; ESP Exome Variant Server 0.19188; gnomAD exomes 0.19479 and 0.24292; ExAC 0.24674.
gnomAD v4.1: 283,534 of 1,212,520 alleles (23%); highest among the groups gnomAD compares: Non-Finnish European, 27%; 36,356 homozygotes.

Submissions (2):

Illumina Laboratory Services, Illumina
Classification: Benign for Fraser syndrome 1. Last evaluated: 2018-01-13. Review status: criteria provided, single submitter. Criteria: ICSL Variant Classification Criteria 13 December 2019. Collection method: clinical testing. Allele origin: germline.
Comment: This variant was observed in the ICSL laboratory as part of a predisposition screen in an ostensibly healthy population. It had not been previously curated by ICSL or reported in the Human Gene Mutation Database (HGMD: prior to June 1st, 2018), and was therefore a candidate for classification through an automated scoring system. Utilizing variant allele frequency, disease prevalence and penetrance estimates, and inheritance mode, an automated score was calculated to assess if this variant is too frequent to cause the disease. Based on the score and internal cut-off values, a variant classified as benign is not then subjected to further curation. The score for this variant resulted in a classification of benign for this disease.

Breakthrough Genomics
Classification: Benign. Review status: criteria provided, single submitter. Criteria: ACMG Guidelines, 2015. Collection method: not provided. Allele origin: germline. Inheritance: Autosomal recessive inheritance. Affected: yes.